The following is an entry in ClinVar:

ClinVar aggregate classification (germline): Pathogenic. Review status: criteria provided, multiple submitters, no conflicts (2 of 4 stars). 3 submissions from 3 submitters: Pathogenic (2). 1 of the submissions does not count toward it. Last evaluated 2023-12-26.

Conditions:
Glycogen storage disease type III (GSD3). Also called: FORBES DISEASE; Cori disease. Identifiers: Orphanet 366, MedGen C0017922, MONDO:0009291, OMIM 232400.

Submissions (3):

Labcorp Genetics (formerly Invitae), Labcorp
Classification: Pathogenic for Glycogen storage disease type III. Last evaluated: 2023-12-26. Review status: criteria provided, single submitter. Criteria: Invitae Variant Classification Sherloc (09022015). Collection method: clinical testing. Allele origin: germline.
Comment: This sequence change creates a premature translational stop signal (p.Trp1099*) in the AGL gene. It is expected to result in an absent or disrupted protein product. Loss-of-function variants in AGL are known to be pathogenic (PMID: 19299494). This variant is not present in population databases (gnomAD no frequency). This premature translational stop signal has been observed in individual(s) with glycogen storage disease type III (PMID: 20648714). ClinVar contains an entry for this variant (Variation ID: 188819). For these reasons, this variant has been classified as Pathogenic.

Genome-Nilou Lab
Classification: Pathogenic for Glycogen storage disease type III. Last evaluated: 2021-07-15. Review status: criteria provided, single submitter. Criteria: ACMG Guidelines, 2015. Collection method: clinical testing. Allele origin: germline. Affected: no.

Counsyl
Classification: Likely pathogenic for Glycogen storage disease type III. Last evaluated: 2014-06-05. Review status: no assertion criteria provided. Collection method: literature only. Allele origin: unknown. Inheritance: Autosomal recessive inheritance. Not counted in ClinVar's aggregate classification.

Literature cited by the submitters: PubMed 19299494 (cited by Labcorp Genetics (formerly Invitae), Labcorp); PubMed 20648714 (cited by Labcorp Genetics (formerly Invitae), Labcorp and Counsyl).

NM_000642.3(AGL):c.3297G>A (p.Trp1099Ter)

Gene: AGL (amylo-alpha-1,6-glucosidase and 4-alpha-glucanotransferase; plus strand). Cytogenetic location: 1p21.2.
Variant type: single nucleotide variant.
Coding change: c.3297G>A on transcript NM_000642.3 (MANE Select); coding-DNA position 3297, G replaced by A.
Protein change: p.Trp1099Ter; replaces tryptophan 1099 with a stop codon.
Molecular consequence: nonsense.
Genome position (GRCh38, 1-based): chr1:99,896,323, G>A. VCF-style: chr1-99896323-G-A. GRCh37 (hg19) VCF-style: chr1-100361879-G-A.
Other names: c.3297G>A, p.Trp1099Ter (NM_000028.3, NM_000643.3, NM_000644.3 and 1 more transcripts); c.3249G>A, p.Trp1083Ter (NM_000646.3); c.3276G>A, p.Trp1092Ter (NM_001425326.1); c.3096G>A, p.Trp1032Ter (NM_001425327.1); c.3093G>A, p.Trp1031Ter (NM_001425328.1); c.2958G>A, p.Trp986Ter (NM_001425329.1); c.2919G>A, p.Trp973Ter (NM_001425332.1); short protein forms W1099*, W1083*, W1031*, W1032*, W1092*, W973*, W986*.
Identifiers: ClinVar variation 188819 (VCV000188819.14), dbSNP rs786204490, ClinGen allele CA273998.